The following is an entry in ClinVar:

NM_000127.3(EXT1):c.649_665del (p.Ala217fs)

Gene: EXT1 (exostosin glycosyltransferase 1; minus strand). Cytogenetic location: 8q24.11.
Variant type: Deletion.
Coding change: c.649_665del on transcript NM_000127.3 (MANE Select); coding-DNA positions 649 to 665, 17 bases deleted (GCCAAAGCCAGCATCAG).
Protein change: p.Ala217fs; shifts the reading frame from alanine 217.
Molecular consequence: frameshift variant.
Genome position (GRCh38, 1-based): chr8:118,110,382-118,110,398, CTGATGCTGGCTTTGGC deleted on the plus strand (GCCAAAGCCAGCATCAG on the coding strand, the reverse complement: EXT1 is on the minus strand); deleting any 17 consecutive bases within chr8:118,110,382-118,110,399 gives the same sequence; the c. name uses the placement nearest the transcript's 3' end. VCF-style (leftmost placement, unchanged base first): chr8-118110381-ACTGATGCTGGCTTTGGC-A. GRCh37 (hg19) VCF-style: chr8-119122620-ACTGATGCTGGCTTTGGC-A.
Other names: short protein forms A217fs.
Identifiers: ClinVar variation 3723161 (VCV003723161.2).

ClinVar aggregate classification (germline): Pathogenic (1 of 4 stars; one submission).

Conditions:
Multiple congenital exostosis (EXT). Also called: MULTIPLE CARTILAGINOUS EXOSTOSES; Multiple exostoses; Hereditary multiple osteochondromas; Hereditary multiple exostoses; Hereditary multiple exostosis; Multiple osteochondromas. Identifiers: Orphanet 321, MedGen C0015306, MONDO:0005508, HP:0002762.

Submission:

Labcorp Genetics (formerly Invitae), Labcorp
Classification: Pathogenic for Multiple congenital exostosis. Last evaluated: 2024-10-17. Review status: criteria provided, single submitter. Criteria: Invitae Variant Classification Sherloc (09022015). Collection method: clinical testing. Allele origin: germline.
Comment: This sequence change creates a premature translational stop signal (p.Ala217Tyrfs*2) in the EXT1 gene. It is expected to result in an absent or disrupted protein product. Loss-of-function variants in EXT1 are known to be pathogenic (PMID: 10679937, 11391482, 19810120). This variant is not present in population databases (gnomAD no frequency). This variant has not been reported in the literature in individuals affected with EXT1-related conditions. For these reasons, this variant has been classified as Pathogenic.

Literature cited by the submitters: PubMed 10679937; PubMed 11391482; PubMed 19810120.